The following is an entry in ClinVar:

NM_001367721.1(CASK):c.556del (p.Met186fs)

Gene: CASK (calcium/calmodulin dependent serine protein kinase; minus strand). Cytogenetic location: Xp11.4.
Variant type: Deletion.
Coding change: c.556del on transcript NM_001367721.1 (MANE Select); coding-DNA position 556, one base deleted (A; older notation c.556delA).
Protein change: p.Met186fs; shifts the reading frame from methionine 186.
Molecular consequence: frameshift variant.
Genome position (GRCh38, 1-based): chrX:41,665,429, T deleted on the plus strand (A on the coding strand, the reverse complement: CASK is on the minus strand). VCF-style (leftmost placement, unchanged base first): chrX-41665428-AT-A. GRCh37 (hg19) VCF-style: chrX-41524681-AT-A.
Other names: c.556del, p.Met186fs (NM_001126054.3, NM_001126055.3, NM_001410745.1 and 1 more transcripts); short protein forms M186fs.
Identifiers: ClinVar variation 4856827 (VCV004856827.2).

ClinVar aggregate classification (germline): Likely pathogenic (1 of 4 stars; one submission).

Submission:

Dasa
Classification: Likely pathogenic. Last evaluated: 2025-12-27. Review status: criteria provided, single submitter. Criteria: DASA Assertion Criteria. Collection method: clinical testing. Allele origin: germline.
Comment: NM_001367721.1(CASK):c.556del (p.Met186Trpfs*15) is a frameshift variant in CASK predicted to alter the reading frame and introduce a premature termination codon and is predicted to result in an absent or altered protein product. Loss of function is an established disease mechanism for CASK-associated disorders. Also, this variant is absent from population databases. Based on the currently available evidence, this variant is classified as likely pathogenic.